The following is an entry in ClinVar:

NM_001376.5(DYNC1H1):c.2615A>G (p.Lys872Arg)

Gene: DYNC1H1 (dynein cytoplasmic 1 heavy chain 1; plus strand). Cytogenetic location: 14q32.31.
Variant type: single nucleotide variant.
Coding change: c.2615A>G on transcript NM_001376.5 (MANE Select); coding-DNA position 2615, A replaced by G.
Protein change: p.Lys872Arg; replaces lysine 872 with arginine.
Molecular consequence: missense variant.
Genome position (GRCh38, 1-based): chr14:101,987,529, A>G. VCF-style: chr14-101987529-A-G. GRCh37 (hg19) VCF-style: chr14-102453866-A-G.
Other names: short protein forms K872R.
Identifiers: ClinVar variation 3606252 (VCV003606252.2).
Genomic context (GRCh38, chr14:101,987,529, plus strand): 5'-TCATTGAAGAAAAAATAGACCTAGAAGTCCGTTCCTTGGAAACTTGTATGTATGACCATA[A>G]GACATTCTCGGAAATCTTGAACAGAGTCCAGAAAGCAGTGGATGACTTAAATCTGCACTC-3'
Protein context (NP_001367.2, residues 862-882): RSLETCMYDH[Lys872Arg]TFSEILNRVQ

ClinVar aggregate classification (germline): Uncertain significance (1 of 4 stars; one submission).

Conditions:
Charcot-Marie-Tooth disease axonal type 2O. Also called: CHARCOT-MARIE-TOOTH NEUROPATHY, AXONAL, TYPE 2O; CHARCOT-MARIE-TOOTH DISEASE, AXONAL, AUTOSOMAL DOMINANT, TYPE 2O; Charcot-Marie-Tooth Neuropathy Type 2O; Charcot-Marie-Tooth disease, axonal, type 20. Identifiers: Orphanet 284232, MedGen C3280220, MONDO:0013644, OMIM 614228.

Submission:

Labcorp Genetics (formerly Invitae), Labcorp
Classification: Uncertain significance for Charcot-Marie-Tooth disease axonal type 2O. Last evaluated: 2024-02-22. Review status: criteria provided, single submitter. Criteria: Invitae Variant Classification Sherloc (09022015). Collection method: clinical testing. Allele origin: germline.
Comment: This sequence change replaces lysine, which is basic and polar, with arginine, which is basic and polar, at codon 872 of the DYNC1H1 protein (p.Lys872Arg). This variant is not present in population databases (gnomAD no frequency). This variant has not been reported in the literature in individuals affected with DYNC1H1-related conditions. Advanced modeling of protein sequence and biophysical properties (such as structural, functional, and spatial information, amino acid conservation, physicochemical variation, residue mobility, and thermodynamic stability) performed at Invitae indicates that this missense variant is not expected to disrupt DYNC1H1 protein function with a negative predictive value of 95%. In summary, the available evidence is currently insufficient to determine the role of this variant in disease. Therefore, it has been classified as a Variant of Uncertain Significance.